The following is an entry in ClinVar:

ClinVar aggregate classification (germline): Benign/Likely benign. Review status: criteria provided, multiple submitters, no conflicts (2 of 4 stars). 3 submissions from 3 submitters: Benign (1); Likely benign (1). 1 of the submissions does not count toward it. Last evaluated 2026-02-01.

Conditions:
TONSL-related disorder. Also called: TONSL-related condition.

Allele frequency attached by ClinVar (database versions not stated): gnomAD exomes 0.00023 and 0.00070; ExAC 0.00082; gnomAD 0.00238 and 0.00252; ESP Exome Variant Server 0.00254; 1000 Genomes Project 0.00280; TOPMed 0.00286; 1000 Genomes Project 30x 0.00359.
gnomAD v4.1: 701 of 1,592,034 alleles (0.044%); highest among the groups gnomAD compares: African/African-American, 0.85%; 5 homozygotes.

Submissions (4):

Labcorp Genetics (formerly Invitae), Labcorp
Classification: Benign. Last evaluated: 2026-02-01. Review status: criteria provided, single submitter. Criteria: Invitae Variant Classification Sherloc (09022015). Collection method: clinical testing. Allele origin: germline.

Blueprint Genetics
Classification: Likely benign. Last evaluated: 2024-08-23. Review status: criteria provided, single submitter. Criteria: ACMG Guidelines, 2015. Collection method: clinical testing. Allele origin: germline.

PreventionGenetics, part of Exact Sciences
Classification: Benign for TONSL-related condition. Last evaluated: 2020-02-04. Review status: no assertion criteria provided. Collection method: clinical testing. Allele origin: germline. Not counted in ClinVar's aggregate classification.
Comment: This variant is classified as benign based on ACMG/AMP sequence variant interpretation guidelines (Richards et al. 2015 PMID: 25741868, with internal and published modifications).

Dr. Peter K. Rogan Lab, Western University
No classification provided (evidence only). Condition: Gastric cancer. Review status: no classification provided. Collection method: in vitro. Allele origin: not applicable. Functional consequence: retained intron. Not counted in ClinVar's aggregate classification.

NM_013432.5(TONSL):c.648C>T (p.Gly216=)

Gene: TONSL (tonsoku like, DNA repair protein; minus strand). Cytogenetic location: 8q24.3.
Variant type: single nucleotide variant.
Coding change: c.648C>T on transcript NM_013432.5 (MANE Select); coding-DNA position 648, C replaced by T.
Protein change: p.Gly216=; no amino-acid change (glycine 216 retained).
Molecular consequence: synonymous variant.
Genome position (GRCh38, 1-based): chr8:144,442,343, G>A on the plus strand (C>T on the coding strand, the complement: TONSL is on the minus strand). VCF-style: chr8-144442343-G-A. GRCh37 (hg19) VCF-style: chr8-145667726-G-A.
Other names: c.648C>T (NM_013432.4).
Identifiers: ClinVar variation 1167614 (VCV001167614.11), dbSNP rs142348672, ClinGen allele CA4943562.